The following is an entry in ClinVar:

ClinVar aggregate classification (germline): Uncertain significance (1 of 4 stars; one submission).

Conditions:
Angelman syndrome (AS). Also called: HAPPY PUPPET SYNDROME. Identifiers: Orphanet 72, MedGen C0162635, MONDO:0007113, OMIM 105830. Disease mechanism: loss of function. Inheritance: imprinting disorder, AS is caused by disruption of maternally imprinted UBE3A located within the 15q11.2-q13 Angelman syndrome/Prader-Willi syndrome (AS/PWS) region..

Submission:

Labcorp Genetics (formerly Invitae), Labcorp
Classification: Uncertain significance for Angelman syndrome. Last evaluated: 2024-01-27. Review status: criteria provided, single submitter. Criteria: Invitae Variant Classification Sherloc (09022015). Collection method: clinical testing. Allele origin: germline.
Comment: This sequence change falls in intron 6 of the UBE3A gene. It does not directly change the encoded amino acid sequence of the UBE3A protein. It affects a nucleotide within the consensus splice site. This variant is not present in population databases (gnomAD no frequency). This variant has not been reported in the literature in individuals affected with UBE3A-related conditions. Variants that disrupt the consensus splice site are a relatively common cause of aberrant splicing (PMID: 17576681, 9536098). Algorithms developed to predict the effect of sequence changes on RNA splicing suggest that this variant may disrupt the consensus splice site. In summary, the available evidence is currently insufficient to determine the role of this variant in disease. Therefore, it has been classified as a Variant of Uncertain Significance.

Literature cited by the submitters: PubMed 17576681; PubMed 9536098.

NM_130839.5(UBE3A):c.2124+3A>G

Genes: SNHG14 (small nucleolar RNA host gene 14; plus strand), UBE3A (ubiquitin protein ligase E3A; minus strand). Cytogenetic location: 15q11.2.
Variant type: single nucleotide variant.
Coding change: c.2124+3A>G on transcript NM_130839.5 (MANE Select); 3 bases into the intron after coding-DNA position 2124, A replaced by G.
Molecular consequence: intron variant.
Genome position (GRCh38, 1-based): chr15:25,355,889, T>C on the plus strand (A>G on the coding strand, the complement: UBE3A is on the minus strand). VCF-style: chr15-25355889-T-C. GRCh37 (hg19) VCF-style: chr15-25601036-T-C.
Other names: c.2124+3A>G (NM_001354505.1, NM_001354545.2, NM_001354538.2); c.2064+3A>G (NM_001354526.1, NM_001354548.2, NM_130838.4 and 16 more transcripts); c.1947+3A>G (NM_001354546.2); c.813+3A>G (NM_001354551.2); c.1899+802A>G (NM_001354549.2); c.873+3A>G (NM_001354550.2); c.2133+3A>G (NM_000462.5).
Identifiers: ClinVar variation 2713464 (VCV002713464.3), dbSNP rs2552187034, ClinGen allele CA2697554262.